The following is an entry in ClinVar:

ClinVar aggregate classification (germline): Uncertain significance (1 of 4 stars; one submission).

Conditions:
Hereditary breast ovarian cancer syndrome. Also called: Hereditary breast and ovarian cancer syndrome (HBOC); Hereditary breast and/or ovarian cancer syndrome; Hereditary breast and ovarian cancer syndrome; Breast and ovarian cancer; Hereditary breast and ovarian cancer; BRCA1- and BRCA2-Associated Hereditary Breast and Ovarian Cancer. Identifiers: Orphanet 145, MedGen C0677776, MeSH D061325, MONDO:0003582. Disease mechanism: loss of function.

Submission:

Labcorp Genetics (formerly Invitae), Labcorp
Classification: Uncertain significance for Hereditary breast ovarian cancer syndrome. Last evaluated: 2023-09-01. Review status: criteria provided, single submitter. Criteria: Invitae Variant Classification Sherloc (09022015). Collection method: clinical testing. Allele origin: germline.
Comment: In summary, the available evidence is currently insufficient to determine the role of this variant in disease. Therefore, it has been classified as a Variant of Uncertain Significance. Experimental studies and prediction algorithms are not available or were not evaluated, and the functional significance of this variant is currently unknown. This variant has not been reported in the literature in individuals affected with BRCA2-related conditions. This variant is not present in population databases (gnomAD no frequency). This variant, c.4888_4941del, results in the deletion of 18 amino acid(s) of the BRCA2 protein (p.Ser1630_Thr1647del), but otherwise preserves the integrity of the reading frame.

NM_000059.4(BRCA2):c.4888_4941del (p.Ser1630_Thr1647del)

Gene: BRCA2 (BRCA2 DNA repair associated; plus strand). Cytogenetic location: 13q13.1.
Variant type: Deletion.
Coding change: c.4888_4941del on transcript NM_000059.4 (MANE Select); coding-DNA positions 4888 to 4941, 54 bases deleted.
Protein change: p.Ser1630_Thr1647del.
Molecular consequence: inframe deletion. On other transcripts: non-coding transcript variant (1), intron variant (2).
Genome position (GRCh38, 1-based): chr13:32,339,243-32,339,296, 54 bases deleted. GRCh37 (hg19): chr13:32,913,380-32,913,433.
Other names: c.4888_4941del, p.Ser1630_Thr1647del (NM_001406719.1, NM_001406720.1); c.1910-5315_1910-5262del (NM_001406721.1); c.425-5315_425-5262del (NM_001406722.1).
Identifiers: ClinVar variation 2757166 (VCV002757166.3), dbSNP rs2548529513, ClinGen allele CA2697551768.